The following continues an entry in ClinVar:

NM_005633.4(SOS1):c.508A>G (p.Lys170Glu)

Gene: SOS1. ClinVar aggregate classification (germline): Pathogenic. Pathogenic (1).

Submissions 12 to 25 of 25:

Ambry Genetics
Classification: Pathogenic for Cardiovascular phenotype. Last evaluated: 2021-12-27. Review status: criteria provided, single submitter. Criteria: Ambry Variant Classification Scheme 2023. Collection method: clinical testing. Allele origin: germline. Not counted in ClinVar's aggregate classification.
Comment: The p.K170E pathogenic mutation (also known as c.508A>G), located in coding exon 4 of the SOS1 gene, results from an A to G substitution at nucleotide position 508, which is located in the histine-like folds domain. The lysine at codon 170 is replaced by glutamic acid, an amino acid with some similar properties. This alteration has been reported in multiple individuals with a clinical diagnosis of Noonan syndrome, including several cases described as de novo; clinical details were limited in some individuals (Ko JM et al. J. Hum. Genet., 2008 Dec;53:999-1006; Denayer E et al. Genes Chromosomes Cancer, 2010 Mar;49:242-52;; Lepri F et al. Hum Mutat, 2011 Jul;32:760-72; Shoji Y et al. Endocr J, 2019 Nov;66:983-994; Deden C et al. Prenat Diagn, 2020 07;40:972-983). Two in vitro functional studies have found this alteration results in significantly increased activation of the Ras pathway (Lee BH et al. J Pediatr. 2011;159(6):1029-35; Smith MJ et al. Proc Natl Acad Sci USA. 2013;110(12):4574-9). This variant is considered to be rare based on population cohorts in the Genome Aggregation Database (gnomAD). In addition, this alteration is predicted to be deleterious by in silico analysis. Based on the supporting evidence, this alteration is interpreted as a disease-causing mutation.

Laboratory of Medical Genetics, National & Kapodistrian University of Athens
Classification: Pathogenic for Noonan syndrome 4. Last evaluated: 2021-10-01. Review status: criteria provided, single submitter. Criteria: ACMG Guidelines, 2015. Collection method: clinical testing. Allele origin: unknown. Affected: yes. Not counted in ClinVar's aggregate classification.
Comment: PM2, PP2, PP3, PP5

Women's Health and Genetics/Laboratory Corporation of America, LabCorp
Classification: Pathogenic for RASopathy. Last evaluated: 2021-07-27. Review status: criteria provided, single submitter. Criteria: LabCorp Variant Classification Summary - May 2015. Collection method: clinical testing. Allele origin: germline. Not counted in ClinVar's aggregate classification.
Comment: Variant summary: SOS1 c.508A>G (p.Lys170Glu) results in a conservative amino acid change in the encoded protein sequence. Four of five in-silico tools predict a damaging effect of the variant on protein function. The variant was absent in 251282 control chromosomes. c.508A>G has been reported in the literature in multiple individuals affected with Noonan Syndrome And Related Conditions (e.g. Ko_2008, Denayer_2010, Lepri_2011, vanTrier_2015). These data indicate that the variant is very likely to be associated with disease. Two functional studies showed that this variant had a gain-of-function effect (Lee_2011, Smith_2013). Six clinical diagnostic laboratories have submitted clinical-significance assessments for this variant to ClinVar after 2014 without evidence for independent evaluation. All laboratories classified the variant as pathogenic. Based on the evidence outlined above, the variant was classified as pathogenic.

Blueprint Genetics
Classification: Pathogenic for SOS1-related disorders. Last evaluated: 2019-10-25. Review status: criteria provided, single submitter. Criteria: ACMG Guidelines, 2015. Collection method: clinical testing. Allele origin: germline. Affected: yes. Observed: 2 variant alleles. Not counted in ClinVar's aggregate classification.

ARUP Laboratories, Molecular Genetics and Genomics, ARUP Laboratories
Classification: Pathogenic. Last evaluated: 2018-09-25. Review status: criteria provided, single submitter. Criteria: ARUP Molecular Germline Variant Investigation Process. Collection method: clinical testing. Allele origin: germline. Not counted in ClinVar's aggregate classification.
Comment: The SOS1 c.508A>G; p.Lys170Glu variant (rs397517172), is reported in the literature in multiple individuals affected with Noonan syndrome (Denayer 2010, Ko 2008, Lepri 2011). This variant is reported as pathogenic by multiple laboratories in ClinVar (Variation ID: 40651), and is absent from general population databases (1000 Genomes Project, Exome Variant Server, and Genome Aggregation Database), indicating it is not a common polymorphism. Functional analyses of the variant protein shows increased activation of Ras and ERK, due to structural changes in the autoinhibitory HF domain (Lee 2011, Smith 2013). The lysine at codon 170 is highly conserved, and computational analyses (SIFT, PolyPhen-2) predict that this variant is deleterious. Based on available information, the p.Lys170Glu variant is considered to be pathogenic. References: Denayer E et al. Tumor spectrum in children with Noonan syndrome and SOS1 or RAF1 mutations. Genes Chromosomes Cancer. 2010 Mar;49(3):242-52. Ko JM et al. PTPN11, SOS1, KRAS, and RAF1 gene analysis, and genotype-phenotype correlation in Korean patients with Noonan syndrome. J Hum Genet. 2008;53(11-12):999-1006. Lee BH et al. Spectrum of mutations in Noonan syndrome and their correlation with phenotypes. J Pediatr. 2011 Dec;159(6):1029-35. Lepri F et al. SOS1 mutations in Noonan syndrome: molecular spectrum, structural insights on pathogenic effects, and genotype-phenotype correlations. Hum Mutat. 2011 Jul;32(7):760-72. Smith MJ et al. NMR-based functional profiling of RASopathies and oncogenic RAS mutations. Proc Natl Acad Sci U S A. 2013 Mar 19;110(12):4574-9.

Laboratory for Molecular Medicine, Mass General Brigham Personalized Medicine
Classification: Pathogenic for Noonan syndrome. Last evaluated: 2011-09-26. Review status: criteria provided, single submitter. Criteria: LMM Criteria. Collection method: clinical testing. Allele origin: germline. Inheritance: Autosomal dominant inheritance. Observed: 4 variant alleles. Not counted in ClinVar's aggregate classification.
Comment: The Lys170Glu has been reported in four individuals with clinical features of No onan syndrome (Ko 2008, Lee 2011, Lepri 2011). In addition, this variant has occ urred de novo in two individuals (Ko 2008, LMM unpublished data). Furthermore, functional data indicates that this variant leads to gain-of-function (Lee 2011) , which is an established pathogenic mechanism in Noonan syndrome. In summary, t his variant meets our criteria to be classified as pathogenic.

Clinical Genetics Service, Universitary Hospital 12 de Octubre
Classification: Pathogenic for Noonan syndrome 4. Review status: criteria provided, single submitter. Criteria: ACMG Guidelines, 2015. Collection method: clinical testing. Allele origin: germline. Affected: yes. Not counted in ClinVar's aggregate classification.

Equipe Genetique des Anomalies du Developpement, Université de Bourgogne
Classification: Pathogenic for Neonatal hypotonia. Review status: criteria provided, single submitter. Criteria: ACMG Guidelines, 2015. Collection method: research. Allele origin: de novo. Affected: yes. Not counted in ClinVar's aggregate classification.

Neuberg Centre For Genomic Medicine, NCGM
Classification: Pathogenic for Noonan syndrome 4. Review status: criteria provided, single submitter. Criteria: ACMG Guidelines, 2015. Collection method: clinical testing. Allele origin: germline. Affected: yes. Not counted in ClinVar's aggregate classification.
Comment: The missense variant p.K170E in SOS1 (NM_005633.4) has been previously reported in multiple patients with Noonan syndrome. Functional studies depict a damaging effect (Smith MJ et al; Lee BH et al). The variant has been submitted to Clinvar as Pathogenic and has been reviewed by an expert Rasopathy curator panel. The p.K170E variant is novel (not in any individuals) in gnomAD Exomes and is novel (not in any individuals) in 1000 Genomes. The p.K170E missense variant is predicted to be damaging by both SIFT and PolyPhen2. The lysine residue at codon 170 of SOS1 is conserved in all mammalian species. The nucleotide c.508 in SOS1 is predicted conserved by GERP++ and PhyloP across 100 vertebrates. For these reasons, this variant has been classified as Pathogenic.

PreventionGenetics, part of Exact Sciences
Classification: Pathogenic for SOS1-related condition. Last evaluated: 2024-02-18. Review status: no assertion criteria provided. Collection method: clinical testing. Allele origin: germline. Not counted in ClinVar's aggregate classification.
Comment: The SOS1 c.508A>G variant is predicted to result in the amino acid substitution p.Lys170Glu. This variant has been reported in at least six individuals with Noonan syndrome and has been reported as a likely de novo variant in at least two of these cases (Ko et al. 2008. PubMed ID: 19020799; Denayer et al. 2010. PubMed ID: 19953625; Lepri et al. 2011. PubMed ID: 21387466; Hakami et al. 2016. PubMed ID: 26918529). Additionally, functional studies demonstrate this variant results in increased RAS activation, p-ERK levels, and GDP-to-GTP exchange rate, consistent with a gain-of-function mechanism, resulting in hyperactivation of the RAS pathway (Lee et al. 2011. PubMed ID: 21784453; Smith et al. 2013. PubMed ID: 23487764). This variant has not been reported in a large population database, indicating this variant is rare and has been interpreted by multiple labs as pathogenic in the ClinVar database. Based on the available data, we classify the SOS1 c.508A>G (p.Lys170Glu) variant to be pathogenic.

Greenwood Genetic Center Diagnostic Laboratories, Greenwood Genetic Center
Classification: Pathogenic. Last evaluated: 2015-01-15. Review status: no assertion criteria provided. Collection method: clinical testing. Allele origin: germline. Not counted in ClinVar's aggregate classification.

Diagnostic Laboratory, Department of Genetics, University Medical Center Groningen
Classification: Pathogenic. Review status: no assertion criteria provided. Collection method: clinical testing. Allele origin: germline. Affected: yes. Study: VKGL Data-share Consensus. Not counted in ClinVar's aggregate classification.

Joint Genome Diagnostic Labs from Nijmegen and Maastricht, Radboudumc and MUMC+
Classification: Pathogenic. Review status: no assertion criteria provided. Collection method: clinical testing. Allele origin: germline. Affected: yes. Study: VKGL Data-share Consensus. Not counted in ClinVar's aggregate classification.

Laboratory of Diagnostic Genome Analysis, Leiden University Medical Center (LUMC)
Classification: Likely pathogenic. Review status: no assertion criteria provided. Collection method: clinical testing. Allele origin: germline. Affected: yes. Study: VKGL Data-share Consensus. Not counted in ClinVar's aggregate classification.

Literature cited by the submitters: PubMed 23487764 (cited by 4 submitters); PubMed 29493581 (cited by ClinGen RASopathy Variant Curation Expert Panel); PubMed 19020799 (cited by 6 submitters); PubMed 21784453 (cited by 6 submitters); PubMed 21387466 (cited by 6 submitters); PubMed 17143285 (cited by Victorian Clinical Genetics Services, Murdoch Childrens Research Institute); PubMed 19953625 (cited by 3 submitters); PubMed 23673306 (cited by Ambry Genetics); PubMed 24803665 (cited by Ambry Genetics); PubMed 25862627 (cited by Ambry Genetics and Women's Health and Genetics/Laboratory Corporation of America, LabCorp); PubMed 26918529 (cited by Ambry Genetics); PubMed 31292302 (cited by Ambry Genetics); PubMed 32333414 (cited by Ambry Genetics); PubMed 34008892 (cited by Ambry Genetics and Laboratory of Medical Genetics, National & Kapodistrian University of Athens); PubMed 34163525 (cited by Ambry Genetics).